The following is an entry in ClinVar:

ClinVar aggregate classification (germline): Uncertain significance (1 of 4 stars; one submission).

Allele frequency attached by ClinVar (database versions not stated): TOPMed below 0.00001; gnomAD 0.00001; gnomAD exomes 0.00001; 1000 Genomes Project 30x 0.00016; 1000 Genomes Project 0.00020.
gnomAD v4.1: 12 of 1,529,644 alleles (0.00078%); highest among the groups gnomAD compares: Non-Finnish European, 0.001%; no homozygotes.

Submission:

Labcorp Genetics (formerly Invitae), Labcorp
Classification: Uncertain significance. Last evaluated: 2022-11-08. Review status: criteria provided, single submitter. Criteria: Invitae Variant Classification Sherloc (09022015). Collection method: clinical testing. Allele origin: germline.
Comment: This sequence change replaces serine, which is neutral and polar, with glycine, which is neutral and non-polar, at codon 284 of the PRDM13 protein (p.Ser284Gly). This variant is not present in population databases (gnomAD no frequency). This variant has not been reported in the literature in individuals affected with PRDM13-related conditions. Algorithms developed to predict the effect of missense changes on protein structure and function output the following: SIFT: "Tolerated"; PolyPhen-2: "Benign"; Align-GVGD: "Class C0". The glycine amino acid residue is found in multiple mammalian species, which suggests that this missense change does not adversely affect protein function. In summary, the available evidence is currently insufficient to determine the role of this variant in disease. Therefore, it has been classified as a Variant of Uncertain Significance.

NM_021620.4(PRDM13):c.850A>G (p.Ser284Gly)

Gene: PRDM13 (PR/SET domain 13; plus strand). Cytogenetic location: 6q16.2.
Variant type: single nucleotide variant.
Coding change: c.850A>G on transcript NM_021620.4 (MANE Select); coding-DNA position 850, A replaced by G.
Protein change: p.Ser284Gly; replaces serine 284 with glycine.
Molecular consequence: missense variant.
Genome position (GRCh38, 1-based): chr6:99,613,485, A>G. VCF-style: chr6-99613485-A-G. GRCh37 (hg19) VCF-style: chr6-100061361-A-G.
Other names: short protein forms S284G.
Identifiers: ClinVar variation 1927834 (VCV001927834.5), dbSNP rs554149070, ClinGen allele CA143975166.